The following is an entry in ClinVar:

ClinVar aggregate classification (germline): Uncertain significance (1 of 4 stars; one submission).

Conditions:
Marfan syndrome (MFS). Also called: MARFAN SYNDROME, TYPE I; Marfan syndrome type 1; Marfan's syndrome; Marfan syndrome, classic; FBN1-Related Marfan Syndrome. Identifiers: Orphanet 284963, Orphanet 558, MedGen C0024796, MONDO:0007947, OMIM 154700.

Allele frequency attached by ClinVar (database versions not stated): gnomAD exomes below 0.00001.
gnomAD v4.1: 3 of 1,613,922 alleles (0.00019%); highest among the groups gnomAD compares: Non-Finnish European, 0.00017%; no homozygotes.

Submission:

All of Us Research Program, National Institutes of Health
Classification: Uncertain significance for Marfan syndrome. Last evaluated: 2024-01-11. Review status: criteria provided, single submitter. Criteria: ACMG Guidelines, 2015. Collection method: clinical testing. Allele origin: germline. Inheritance: Autosomal dominant inheritance. Observed: 1 variant allele, 1 heterozygote.
Comment: This study involves interpretation of variants in research participants for the purpose of population health screening. Participant phenotype was not available at the time of variant classification. Additional details can be found in publication PMID: 35346344, PMCID: PMC8962531

NM_000138.5(FBN1):c.807T>A (p.Phe269Leu)

Gene: FBN1 (fibrillin 1; minus strand). Cytogenetic location: 15q21.1.
Variant type: single nucleotide variant.
Coding change: c.807T>A on transcript NM_000138.5 (MANE Select); coding-DNA position 807, T replaced by A.
Protein change: p.Phe269Leu; replaces phenylalanine 269 with leucine.
Molecular consequence: missense variant.
Genome position (GRCh38, 1-based): chr15:48,534,135, A>T on the plus strand (T>A on the coding strand, the complement: FBN1 is on the minus strand). VCF-style: chr15-48534135-A-T. GRCh37 (hg19) VCF-style: chr15-48826332-A-T.
Other names: c.807T>A, p.Phe269Leu (NM_001406716.1, NM_001406717.1); short protein forms F269L.
Identifiers: ClinVar variation 3074967 (VCV003074967.1), dbSNP rs2505655406, ClinGen allele CA392352530.